The following is an entry in ClinVar:

ClinVar aggregate classification (germline): Conflicting classifications of pathogenicity. Review status: criteria provided, conflicting classifications (1 of 4 stars). 3 submissions from 3 submitters: Uncertain significance (2); Likely benign (1). Last evaluated 2024-10-17.

Conditions:
Phosphoenolpyruvate carboxykinase deficiency, cytosolic (PCKDC). Also called: PCK1 DEFICIENCY, CYTOSOLIC; PEPCK DEFICIENCY, CYTOSOLIC. Identifiers: Orphanet 2880, MedGen C5574905, MONDO:0009866, OMIM 261680.
Inborn genetic diseases. Identifiers: MedGen C0950123, MeSH D030342.

Allele frequency attached by ClinVar (database versions not stated): ESP Exome Variant Server 0.00038; gnomAD exomes 0.00042 and 0.00022; gnomAD 0.00029 and 0.00032; TOPMed 0.00029; ExAC 0.00021.

Submissions (3):

Labcorp Genetics (formerly Invitae), Labcorp
Classification: Uncertain significance. Last evaluated: 2024-10-17. Review status: criteria provided, single submitter. Criteria: Invitae Variant Classification Sherloc (09022015). Collection method: clinical testing. Allele origin: germline.
Comment: This sequence change replaces leucine, which is neutral and non-polar, with phenylalanine, which is neutral and non-polar, at codon 300 of the PCK1 protein (p.Leu300Phe). This variant is present in population databases (rs61760967, gnomAD 0.04%). This variant has not been reported in the literature in individuals affected with PCK1-related conditions. ClinVar contains an entry for this variant (Variation ID: 338885). Invitae Evidence Modeling of protein sequence and biophysical properties (such as structural, functional, and spatial information, amino acid conservation, physicochemical variation, residue mobility, and thermodynamic stability) indicates that this missense variant is not expected to disrupt PCK1 protein function with a negative predictive value of 80%. In summary, the available evidence is currently insufficient to determine the role of this variant in disease. Therefore, it has been classified as a Variant of Uncertain Significance.

Ambry Genetics
Classification: Likely benign for Inborn genetic diseases. Last evaluated: 2024-07-08. Review status: criteria provided, single submitter. Criteria: Ambry Variant Classification Scheme 2023. Collection method: clinical testing. Allele origin: germline.

Illumina Laboratory Services, Illumina
Classification: Uncertain significance for Phosphoenolpyruvate carboxykinase deficiency, cytosolic. Last evaluated: 2018-01-13. Review status: criteria provided, single submitter. Criteria: ICSL Variant Classification Criteria 13 December 2019. Collection method: clinical testing. Allele origin: germline.

NM_002591.4(PCK1):c.898C>T (p.Leu300Phe)

Gene: PCK1 (phosphoenolpyruvate carboxykinase 1; plus strand). Cytogenetic location: 20q13.31.
Variant type: single nucleotide variant.
Coding change: c.898C>T on transcript NM_002591.4 (MANE Select); coding-DNA position 898, C replaced by T.
Protein change: p.Leu300Phe; replaces leucine 300 with phenylalanine.
Molecular consequence: missense variant.
Genome position (GRCh38, 1-based): chr20:57,563,664, C>T. VCF-style: chr20-57563664-C-T. GRCh37 (hg19) VCF-style: chr20-56138720-C-T.
Other names: short protein forms L300F.
Identifiers: ClinVar variation 338885 (VCV000338885.9), dbSNP rs61760967, ClinGen allele CA9922197.